The following is an entry in ClinVar:

ClinVar aggregate classification (germline): Uncertain significance. Review status: criteria provided, multiple submitters, no conflicts (2 of 4 stars). 4 submissions from 4 submitters: Uncertain significance (4). Last evaluated 2025-07-04.

Conditions:
Hereditary breast ovarian cancer syndrome. Also called: Breast and ovarian cancer; Hereditary breast and/or ovarian cancer syndrome; Hereditary breast and ovarian cancer; Hereditary breast and ovarian cancer syndrome (HBOC); BRCA1- and BRCA2-Associated Hereditary Breast and Ovarian Cancer; Hereditary breast and ovarian cancer syndrome. Identifiers: Orphanet 145, MedGen C0677776, MeSH D061325, MONDO:0003582. Disease mechanism: loss of function.
Hereditary cancer-predisposing syndrome. Also called: Hereditary Cancer Syndrome; Neoplastic Syndromes, Hereditary; Tumor predisposition; Hereditary neoplastic syndrome. Identifiers: Orphanet 140162, MedGen C0027672, MeSH D009386, MONDO:0015356.

Allele frequency attached by ClinVar (database versions not stated): gnomAD exomes below 0.00001; ExAC 0.00001.

Submissions (4):

Labcorp Genetics (formerly Invitae), Labcorp
Classification: Uncertain significance for Hereditary breast ovarian cancer syndrome. Last evaluated: 2025-07-04. Review status: criteria provided, single submitter. Criteria: Invitae Variant Classification Sherloc (09022015). Collection method: clinical testing. Allele origin: germline.
Comment: This sequence change replaces threonine, which is neutral and polar, with isoleucine, which is neutral and non-polar, at codon 2367 of the BRCA2 protein (p.Thr2367Ile). This variant is present in population databases (rs754326949, gnomAD 0.003%). This variant has not been reported in the literature in individuals affected with BRCA2-related conditions. ClinVar contains an entry for this variant (Variation ID: 489780). Invitae Evidence Modeling of protein sequence and biophysical properties (such as structural, functional, and spatial information, amino acid conservation, physicochemical variation, residue mobility, and thermodynamic stability) indicates that this missense variant is not expected to disrupt BRCA2 protein function with a negative predictive value of 95%. In summary, the available evidence is currently insufficient to determine the role of this variant in disease. Therefore, it has been classified as a Variant of Uncertain Significance.

GeneDx
Classification: Uncertain significance. Last evaluated: 2025-03-25. Review status: criteria provided, single submitter. Criteria: GeneDx Variant Classification Process June 2021. Collection method: clinical testing. Allele origin: germline. Affected: yes.
Comment: Observed in an individual with pancreatic cancer (PMID: 32255556); Published functional studies suggest a neutral effect: demonstrates cell viability and drug sensitivity comparable to wild type (PMID: 37922907); In silico analysis indicates that this missense variant does not alter protein structure/function; Not observed at significant frequency in large population cohorts (gnomAD); Also known as 7328C>T; This variant is associated with the following publications: (PMID: 32255556, 37922907)

Ambry Genetics
Classification: Uncertain significance for Hereditary cancer-predisposing syndrome. Last evaluated: 2024-04-26. Review status: criteria provided, single submitter. Criteria: Ambry Variant Classification Scheme 2023. Collection method: clinical testing. Allele origin: germline.
Comment: The p.T2367I variant (also known as c.7100C>T), located in coding exon 13 of the BRCA2 gene, results from a C to T substitution at nucleotide position 7100. The threonine at codon 2367 is replaced by isoleucine, an amino acid with similar properties. This variant was identified in 1/177 individuals with pancreatic ductal adenocarcinoma undergoing multi-gene panel testing (Cremin C et al. Cancer Med, 2020 Jun;9:4004-4013). This amino acid position is not well conserved in available vertebrate species. In addition, the in silico prediction for this alteration is inconclusive. Based on the available evidence, the clinical significance of this variant remains unclear.

Color Diagnostics, LLC DBA Color Health
Classification: Uncertain significance for Hereditary cancer-predisposing syndrome. Last evaluated: 2023-05-31. Review status: criteria provided, single submitter. Criteria: ACMG Guidelines, 2015. Collection method: clinical testing. Allele origin: germline.
Comment: This missense variant replaces threonine with isoleucine at codon 2367 of the BRCA2 protein. Computational prediction suggests that this variant may not impact protein structure and function (internally defined REVEL score threshold <= 0.5, PMID: 27666373). To our knowledge, functional studies have not been reported for this variant. This variant has been reported in an individual affected with pancreatic cancer (PMID: 32255556). This variant has been identified in 1/250964 chromosomes in the general population by the Genome Aggregation Database (gnomAD). The available evidence is insufficient to determine the role of this variant in disease conclusively. Therefore, this variant is classified as a Variant of Uncertain Significance.

Literature cited by the submitters: PubMed 32255556 (cited by Ambry Genetics and Color Diagnostics, LLC DBA Color Health).

NM_000059.4(BRCA2):c.7100C>T (p.Thr2367Ile)

Gene: BRCA2 (BRCA2 DNA repair associated; plus strand). Cytogenetic location: 13q13.1.
Variant type: single nucleotide variant.
Coding change: c.7100C>T on transcript NM_000059.4 (MANE Select); coding-DNA position 7100, C replaced by T.
Protein change: p.Thr2367Ile; replaces threonine 2367 with isoleucine.
Molecular consequence: missense variant.
Genome position (GRCh38, 1-based): chr13:32,354,953, C>T. VCF-style: chr13-32354953-C-T. GRCh37 (hg19) VCF-style: chr13-32929090-C-T.
Other names: short protein forms T2367I.
Identifiers: ClinVar variation 489780 (VCV000489780.19), dbSNP rs754326949, ClinGen allele CA6941058.